The following is an entry in ClinVar:

NM_001105206.3(LAMA4):c.4154T>C (p.Val1385Ala)

Gene: LAMA4 (laminin subunit alpha 4; minus strand). Cytogenetic location: 6q21.
Variant type: single nucleotide variant.
Coding change: c.4154T>C on transcript NM_001105206.3 (MANE Select); coding-DNA position 4154, T replaced by C.
Protein change: p.Val1385Ala; replaces valine 1385 with alanine.
Molecular consequence: missense variant.
Genome position (GRCh38, 1-based): chr6:112,129,055, A>G on the plus strand (T>C on the coding strand, the complement: LAMA4 is on the minus strand). VCF-style: chr6-112129055-A-G. GRCh37 (hg19) VCF-style: chr6-112450257-A-G.
Other names: c.4133T>C, p.Val1378Ala (NM_001105207.3, NM_002290.5); short protein forms V1385A, V1378A.
Identifiers: ClinVar variation 1738101 (VCV001738101.3), dbSNP rs782391241, ClinGen allele CA3965044.

ClinVar aggregate classification (germline): Uncertain significance. Review status: criteria provided, multiple submitters, no conflicts (2 of 4 stars). 2 submissions from 2 submitters: Uncertain significance (2). Last evaluated 2025-02-08.

Conditions:
Cardiovascular phenotype. Identifiers: MedGen CN230736.
Dilated cardiomyopathy 1JJ (CMD1JJ). Identifiers: Orphanet 154, MedGen C3808935, MONDO:0014095, OMIM 615235.

Allele frequency attached by ClinVar (database versions not stated): ExAC 0.00001; gnomAD exomes 0.00001; TOPMed 0.00001.
gnomAD v4.1: 11 of 1,612,534 alleles (0.00068%); highest among the groups gnomAD compares: Admixed American, 0.0017%; no homozygotes.

Submissions (2):

Labcorp Genetics (formerly Invitae), Labcorp
Classification: Uncertain significance for Dilated cardiomyopathy 1JJ. Last evaluated: 2025-02-08. Review status: criteria provided, single submitter. Criteria: Invitae Variant Classification Sherloc (09022015). Collection method: clinical testing. Allele origin: germline.
Comment: This sequence change replaces valine, which is neutral and non-polar, with alanine, which is neutral and non-polar, at codon 1378 of the LAMA4 protein (p.Val1378Ala). This variant is present in population databases (rs782391241, gnomAD 0.0009%). This variant has not been reported in the literature in individuals affected with LAMA4-related conditions. ClinVar contains an entry for this variant (Variation ID: 1738101). Invitae Evidence Modeling of protein sequence and biophysical properties (such as structural, functional, and spatial information, amino acid conservation, physicochemical variation, residue mobility, and thermodynamic stability) indicates that this missense variant is not expected to disrupt LAMA4 protein function with a negative predictive value of 80%. In summary, the available evidence is currently insufficient to determine the role of this variant in disease. Therefore, it has been classified as a Variant of Uncertain Significance.

Ambry Genetics
Classification: Uncertain significance for Cardiovascular phenotype. Last evaluated: 2019-05-31. Review status: criteria provided, single submitter. Criteria: Ambry Variant Classification Scheme 2023. Collection method: clinical testing. Allele origin: germline.
Comment: The p.V1378A variant (also known as c.4133T>C), located in coding exon 30 of the LAMA4 gene, results from a T to C substitution at nucleotide position 4133. The valine at codon 1378 is replaced by alanine, an amino acid with similar properties. This amino acid position is well conserved in available vertebrate species. In addition, the in silico prediction for this alteration is inconclusive. Since supporting evidence is limited at this time, the clinical significance of this alteration remains unclear.